The following is an entry in ClinVar:

ClinVar aggregate classification (germline): Conflicting classifications of pathogenicity. Review status: criteria provided, conflicting classifications (1 of 4 stars). 2 submissions from 2 submitters: Uncertain significance (1); Likely benign (1). Last evaluated 2024-10-15.

Conditions:
Progressive myoclonic epilepsy. Also called: Progressive myoclonus epilepsy; Myoclonus epilepsy; Familial progressive myoclonic epilepsy; Myoclonic Epilepsies, Progressive. Identifiers: Orphanet 308, Orphanet 98261, MedGen C0751778, MONDO:0020074.

Allele frequency attached by ClinVar (database versions not stated): ExAC 0.00014; gnomAD exomes 0.00001; gnomAD 0.00001.
gnomAD v4.1: 14 of 1,504,274 alleles (0.00093%); highest among the groups gnomAD compares: South Asian, 0.0025%; no homozygotes.

Submissions (2):

Labcorp Genetics (formerly Invitae), Labcorp
Classification: Uncertain significance for Progressive myoclonic epilepsy. Last evaluated: 2024-10-15. Review status: criteria provided, single submitter. Criteria: Invitae Variant Classification Sherloc (09022015). Collection method: clinical testing. Allele origin: germline.
Comment: This sequence change falls in intron 1 of the EPM2A gene. It does not directly change the encoded amino acid sequence of the EPM2A protein. It affects a nucleotide within the consensus splice site. The frequency data for this variant in the population databases is considered unreliable, as metrics indicate poor data quality at this position in the gnomAD database. This variant has not been reported in the literature in individuals affected with EPM2A-related conditions. ClinVar contains an entry for this variant (Variation ID: 387544). Variants that disrupt the consensus splice site are a relatively common cause of aberrant splicing (PMID: 17576681, 9536098). Algorithms developed to predict the effect of sequence changes on RNA splicing suggest that this variant is not likely to affect RNA splicing. In summary, the available evidence is currently insufficient to determine the role of this variant in disease. Therefore, it has been classified as a Variant of Uncertain Significance.

GeneDx
Classification: Likely benign. Last evaluated: 2020-02-28. Review status: criteria provided, single submitter. Criteria: GeneDx Variant Classification Process June 2021. Collection method: clinical testing. Allele origin: germline. Affected: yes.

Literature cited by the submitters: PubMed 17576681 (cited by Labcorp Genetics (formerly Invitae), Labcorp); PubMed 9536098 (cited by Labcorp Genetics (formerly Invitae), Labcorp).

NM_005670.4(EPM2A):c.301+4T>C

Genes: EPM2A (EPM2A glucan phosphatase, laforin; minus strand), EPM2A-DT (EPM2A divergent transcript; plus strand), LOC129997381 (ATAC-STARR-seq lymphoblastoid silent region 17642; plus strand). Cytogenetic location: 6q24.3.
Variant type: single nucleotide variant.
Coding change: c.301+4T>C on transcript NM_005670.4 (MANE Select); 4 bases into the intron after coding-DNA position 301, T replaced by C.
Molecular consequence: intron variant.
Genome position (GRCh38, 1-based): chr6:145,735,194, A>G on the plus strand (T>C on the coding strand, the complement: EPM2A is on the minus strand). VCF-style: chr6-145735194-A-G. GRCh37 (hg19) VCF-style: chr6-146056330-A-G.
Other names: c.-114+714T>C (NM_001360064.2); c.-114+51T>C (NM_001368131.1); c.301+4T>C (NM_001360057.2, NM_001018041.2, NM_001368130.1); c.-323+4T>C (NM_001368129.2); c.-369+4T>C (NM_001360071.2).
Identifiers: ClinVar variation 387544 (VCV000387544.8), dbSNP rs761970395, ClinGen allele CA4035219.